The following is an entry in ClinVar:

NM_025077.4(TOE1):c.1258T>C (p.Ser420Pro)

Gene: TOE1 (target of EGR1, exonuclease; plus strand). Cytogenetic location: 1p34.1.
Variant type: single nucleotide variant.
Coding change: c.1258T>C on transcript NM_025077.4 (MANE Select); coding-DNA position 1258, T replaced by C.
Protein change: p.Ser420Pro; replaces serine 420 with proline.
Molecular consequence: missense variant.
Genome position (GRCh38, 1-based): chr1:45,343,427, T>C. VCF-style: chr1-45343427-T-C. GRCh37 (hg19) VCF-style: chr1-45809099-T-C.
Other names: short protein forms S420P.
Identifiers: ClinVar variation 4633393 (VCV004633393.2).

ClinVar aggregate classification (germline): Uncertain significance. Review status: criteria provided, multiple submitters, no conflicts (2 of 4 stars). 2 submissions from 2 submitters: Uncertain significance (2). Last evaluated 2025-10-21.

Conditions:
Inborn genetic diseases. Identifiers: MedGen C0950123, MeSH D030342.
TOE1-related disorder. Also called: TOE1-related condition.

gnomAD v4.1: 23 of 1,613,972 alleles (0.0014%); highest among the groups gnomAD compares: Non-Finnish European, 0.0018%; no homozygotes.

Submissions (2):

Ambry Genetics
Classification: Uncertain significance for Inborn genetic diseases. Last evaluated: 2025-10-21. Review status: criteria provided, single submitter. Criteria: Ambry Variant Classification Scheme 2023. Collection method: clinical testing. Allele origin: germline.

PreventionGenetics, part of Exact Sciences
Classification: Uncertain significance for TOE1-related condition. Last evaluated: 2024-12-05. Review status: criteria provided, single submitter. Criteria: ACMG Guidelines, 2015. Collection method: clinical testing. Allele origin: germline.
Comment: The TOE1 c.1258T>C variant is predicted to result in the amino acid substitution p.Ser420Pro. To our knowledge, this variant has not been reported in the literature. This variant is reported in 0.0062% of alleles in individuals of African descent in gnomAD. At this time, the clinical significance of this variant is uncertain due to the absence of conclusive functional and genetic evidence.